The following is an entry in ClinVar:

NM_024426.6(WT1):c.277GGC[5] (p.Gly96dup)

Genes: WT1 (WT1 transcription factor; minus strand), LOC107982234 (WT1/WT1-AS bi-directional promoter region; plus strand). Cytogenetic location: 11p13.
Variant type: Microsatellite.
Coding change: c.277GGC[5] on transcript NM_024426.6 (MANE Select); five copies in a row of the 3-base unit GGC starting at c.277; the reference has four copies in a row; one copy, 3 bases duplicated.
Protein change: p.Gly96dup; duplicates glycine 96.
Molecular consequence: inframe insertion. On other transcripts: non-coding transcript variant (1).
Genome position (GRCh38, 1-based): chr11:32,435,073-32,435,075, GCC duplicated on the plus strand (GGC on the coding strand, the reverse complement: WT1 is on the minus strand); duplicating any 3 consecutive bases within chr11:32,435,073-32,435,084 gives the same sequence; the position shown is the placement nearest the transcript's 3' end. VCF-style (leftmost placement, unchanged base first): chr11-32435072-A-AGCC. GRCh37 (hg19) VCF-style: chr11-32456618-A-AGCC.
Other names: c.277GGC[5], p.Gly96dup (NM_000378.6, NM_024424.5).
Identifiers: ClinVar variation 1448032 (VCV001448032.7), dbSNP rs770519620, ClinGen allele CA2580615657.
Genomic context (GRCh38, chr11:32,435,072, plus strand): 5'-CCGGGGGCGCAAAGTCCAGCACCGGCGCCCACTGCGCCGCGCCGCTCACAGGCAGGGCAC[A>AGCC]GCCGCCGCCGCCACCCAGGGAGGGGACGGCGGGCAGCAGCGCGTTCAGGTCCCGCACGTC-3'

ClinVar aggregate classification (germline): Uncertain significance. Review status: criteria provided, multiple submitters, no conflicts (2 of 4 stars). 2 submissions from 2 submitters: Uncertain significance (2). Last evaluated 2025-07-30.

Conditions:
Wilms tumor 1 (WT1). Also called: Wilms tumor, somatic. Identifiers: Orphanet 654, MedGen CN033288, MONDO:0008679, OMIM 194070.
Frasier syndrome. Identifiers: Orphanet 347, MedGen C0950122, MeSH D052159, MONDO:0007635, OMIM 136680.
Drash syndrome (DDS). Also called: NEPHROPATHY, WILMS TUMOR, AND GENITAL ANOMALIES; WILMS TUMOR AND PSEUDO- OR TRUE HERMAPHRODITISM. Identifiers: Orphanet 220, MedGen C0950121, MONDO:0008682, OMIM 194080.
11p partial monosomy syndrome (WAGR). Also called: WAGR Complex; WAGR syndrome; CHROMOSOME 11p13 DELETION SYNDROME; WAGR Spectrum Disorder. Identifiers: Orphanet 893, MedGen C0206115, MONDO:0008681, OMIM 194072.

Submissions (2):

Labcorp Genetics (formerly Invitae), Labcorp
Classification: Uncertain significance for Wilms tumor 1; Drash syndrome; 11p partial monosomy syndrome; Frasier syndrome. Last evaluated: 2025-07-30. Review status: criteria provided, single submitter. Criteria: Invitae Variant Classification Sherloc (09022015). Collection method: clinical testing. Allele origin: germline.
Comment: This variant, c.271_273dup, results in the insertion of 1 amino acid(s) of the WT1 protein (p.Gly91dup), but otherwise preserves the integrity of the reading frame. This variant is not present in population databases (gnomAD no frequency). This variant has not been reported in the literature in individuals affected with WT1-related conditions. ClinVar contains an entry for this variant (Variation ID: 1448032). Experimental studies and prediction algorithms are not available or were not evaluated, and the functional significance of this variant is currently unknown. In summary, the available evidence is currently insufficient to determine the role of this variant in disease. Therefore, it has been classified as a Variant of Uncertain Significance.

All of Us Research Program, National Institutes of Health
Classification: Uncertain significance for Wilms tumor 1. Last evaluated: 2024-01-11. Review status: criteria provided, single submitter. Criteria: ACMG Guidelines, 2015. Collection method: clinical testing. Allele origin: germline. Inheritance: Autosomal dominant inheritance. Observed: 1 variant allele, 1 heterozygote.
Comment: This study involves interpretation of variants in research participants for the purpose of population health screening. Participant phenotype was not available at the time of variant classification. Additional details can be found in publication PMID: 35346344, PMCID: PMC8962531